The following is an entry in ClinVar:

NM_000059.4(BRCA2):c.1936A>G (p.Ser646Gly)

Gene: BRCA2 (BRCA2 DNA repair associated; plus strand). Cytogenetic location: 13q13.1.
Variant type: single nucleotide variant.
Coding change: c.1936A>G on transcript NM_000059.4 (MANE Select); coding-DNA position 1936, A replaced by G.
Protein change: p.Ser646Gly; replaces serine 646 with glycine.
Molecular consequence: missense variant. On other transcripts: non-coding transcript variant (1), intron variant (2).
Genome position (GRCh38, 1-based): chr13:32,336,291, A>G. VCF-style: chr13-32336291-A-G. GRCh37 (hg19) VCF-style: chr13-32910428-A-G.
Other names: c.1936A>G, p.Ser646Gly (NM_001406719.1, NM_001406720.1, NM_001432077.1); c.1909+2904A>G (NM_001406721.1); c.424+5261A>G (NM_001406722.1); short protein forms S646G.
Identifiers: ClinVar variation 3386234 (VCV003386234.1).

ClinVar aggregate classification (germline): Uncertain significance (1 of 4 stars; one submission).

Conditions:
BRCA2-related cancer predisposition. Identifiers: MedGen CN377758, MONDO:0700269.

Submission:

All of Us Research Program, National Institutes of Health
Classification: Uncertain significance for BRCA2-related cancer predisposition. Last evaluated: 2024-08-06. Review status: criteria provided, single submitter. Criteria: ACMG Guidelines, 2015. Collection method: clinical testing. Allele origin: germline. Inheritance: Autosomal dominant inheritance. Observed: 1 variant allele, 1 heterozygote.
Comment: This study involves interpretation of variants in research participants for the purpose of population health screening. Participant phenotype was not available at the time of variant classification. Additional details can be found in publication PMID: 35346344, PMCID: PMC8962531